The following is an entry in ClinVar:

NM_001048174.2(MUTYH):c.1205C>G (p.Pro402Arg)

Gene: MUTYH (mutY DNA glycosylase; minus strand). Cytogenetic location: 1p34.1.
Variant type: single nucleotide variant.
Coding change: c.1205C>G on transcript NM_001048174.2 (MANE Select); coding-DNA position 1205, C replaced by G.
Protein change: p.Pro402Arg; replaces proline 402 with arginine.
Molecular consequence: missense variant. On other transcripts: non-coding transcript variant (2).
Genome position (GRCh38, 1-based): chr1:45,331,454, G>C on the plus strand (C>G on the coding strand, the complement: MUTYH is on the minus strand). VCF-style: chr1-45331454-G-C. GRCh37 (hg19) VCF-style: chr1-45797126-G-C.
Other names: c.1205C>G, p.Pro402Arg (NM_001048171.2, NM_001048173.2, NM_001293195.2); c.1208C>G, p.Pro403Arg (NM_001048172.2); c.1289C>G, p.Pro430Arg (NM_001128425.2); c.1250C>G, p.Pro417Arg (NM_001293190.2); c.1238C>G, p.Pro413Arg (NM_001293191.2); c.929C>G, p.Pro310Arg (NM_001293192.2, NM_001293196.2); c.860C>G, p.Pro287Arg (NM_001350650.2, NM_001350651.2); c.1280C>G, p.Pro427Arg (NM_012222.3); short protein forms P430R, P287R, P310R, P427R, P402R, P417R, P403R, P413R.
Identifiers: ClinVar variation 619703 (VCV000619703.13), dbSNP rs587780079, ClinGen allele CA340132886.

ClinVar aggregate classification (germline): Conflicting classifications of pathogenicity. Review status: criteria provided, conflicting classifications (1 of 4 stars). 3 submissions from 3 submitters: Uncertain significance (2); Likely benign (1). Last evaluated 2025-09-09.

Conditions:
Familial adenomatous polyposis 2. Also called: COLORECTAL ADENOMATOUS POLYPOSIS, AUTOSOMAL RECESSIVE; ADENOMAS, MULTIPLE COLORECTAL, AUTOSOMAL RECESSIVE; MUTYH-associated polyposis; MUTYH-related attenuated familial adenomatous polyposis; MUTYH Polyposis; Adenomas, multiple colorectal. Identifiers: Orphanet 220460, Orphanet 247798, MedGen C3272841, MONDO:0012041, OMIM 608456.
Hereditary cancer-predisposing syndrome. Also called: Neoplastic Syndromes, Hereditary; Hereditary Cancer Syndrome; Tumor predisposition; Hereditary neoplastic syndrome. Identifiers: Orphanet 140162, MedGen C0027672, MeSH D009386, MONDO:0015356.

gnomAD v4.1: 2 of 1,614,246 alleles (0.00012%); highest among the groups gnomAD compares: South Asian, 0.0011%; no homozygotes.

Submissions (3):

Ambry Genetics
Classification: Likely benign for Hereditary cancer-predisposing syndrome. Last evaluated: 2025-09-09. Review status: criteria provided, single submitter. Criteria: Ambry Variant Classification Scheme 2023. Collection method: clinical testing. Allele origin: germline.

Labcorp Genetics (formerly Invitae), Labcorp
Classification: Uncertain significance for Familial adenomatous polyposis 2. Last evaluated: 2024-04-15. Review status: criteria provided, single submitter. Criteria: Invitae Variant Classification Sherloc (09022015). Collection method: clinical testing. Allele origin: germline.
Comment: This sequence change replaces proline, which is neutral and non-polar, with arginine, which is basic and polar, at codon 430 of the MUTYH protein (p.Pro430Arg). This variant is not present in population databases (gnomAD no frequency). This variant has not been reported in the literature in individuals affected with MUTYH-related conditions. ClinVar contains an entry for this variant (Variation ID: 619703). An algorithm developed to predict the effect of missense changes on protein structure and function (PolyPhen-2) suggests that this variant is likely to be disruptive. In summary, the available evidence is currently insufficient to determine the role of this variant in disease. Therefore, it has been classified as a Variant of Uncertain Significance.

Quest Diagnostics Nichols Institute San Juan Capistrano
Classification: Uncertain significance. Last evaluated: 2017-09-11. Review status: criteria provided, single submitter. Criteria: Quest Diagnostics criteria. Collection method: clinical testing. Allele origin: germline.